The following is an entry in ClinVar:

NM_001184.4(ATR):c.3357G>A (p.Met1119Ile)

Gene: ATR (ATR checkpoint kinase; minus strand). Cytogenetic location: 3q23.
Variant type: single nucleotide variant.
Coding change: c.3357G>A on transcript NM_001184.4 (MANE Select); coding-DNA position 3357, G replaced by A.
Protein change: p.Met1119Ile; replaces methionine 1119 with isoleucine.
Molecular consequence: missense variant.
Genome position (GRCh38, 1-based): chr3:142,547,725, C>T on the plus strand (G>A on the coding strand, the complement: ATR is on the minus strand). VCF-style: chr3-142547725-C-T. GRCh37 (hg19) VCF-style: chr3-142266567-C-T.
Other names: c.3165G>A, p.Met1055Ile (NM_001354579.2); short protein forms M1055I, M1119I.
Identifiers: ClinVar variation 2694100 (VCV002694100.3), dbSNP rs2108450674, ClinGen allele CA354810283.
Genomic context (GRCh38, chr3:142,547,725, plus strand): 5'-TAATTAAGCTGCAAAAGGAAGAAAAACAAACAAAAAAACCTCATAGAACATATTCCTTAC[C>T]ATCAGTTCAGGTGATATGATATCTCTCGGGCCCTGATATGGATCATCACTGGATGCAAAT-3'
Protein context (NP_001175.2, residues 1109-1129): GPRDIISPEL[Met1119Ile]ADYLQPKLLG

ClinVar aggregate classification (germline): Uncertain significance (1 of 4 stars; one submission).

Submission:

Labcorp Genetics (formerly Invitae), Labcorp
Classification: Uncertain significance. Last evaluated: 2023-11-16. Review status: criteria provided, single submitter. Criteria: Invitae Variant Classification Sherloc (09022015). Collection method: clinical testing. Allele origin: germline.
Comment: This sequence change replaces methionine, which is neutral and non-polar, with isoleucine, which is neutral and non-polar, at codon 1119 of the ATR protein (p.Met1119Ile). This variant also falls at the last nucleotide of exon 16, which is part of the consensus splice site for this exon. This variant is not present in population databases (gnomAD no frequency). This variant has not been reported in the literature in individuals affected with ATR-related conditions. An algorithm developed to predict the effect of missense changes on protein structure and function (PolyPhen-2) suggests that this variant is likely to be disruptive. Variants that disrupt the consensus splice site are a relatively common cause of aberrant splicing (PMID: 17576681, 9536098). Algorithms developed to predict the effect of sequence changes on RNA splicing suggest that this variant may disrupt the consensus splice site. In summary, the available evidence is currently insufficient to determine the role of this variant in disease. Therefore, it has been classified as a Variant of Uncertain Significance.

Literature cited by the submitters: PubMed 17576681; PubMed 9536098.